The following is an entry in ClinVar:

ClinVar aggregate classification (germline): Uncertain significance. Review status: criteria provided, multiple submitters, no conflicts (2 of 4 stars). 2 submissions from 2 submitters: Uncertain significance (2). Last evaluated 2025-08-09.

Conditions:
Inborn genetic diseases. Identifiers: MedGen C0950123, MeSH D030342.

Allele frequency attached by ClinVar (database versions not stated): gnomAD exomes below 0.00001; ExAC 0.00001; gnomAD 0.00002; TOPMed 0.00004.
gnomAD v4.1: 7 of 1,612,988 alleles (0.00043%); highest among the groups gnomAD compares: African/African-American, 0.0013%; no homozygotes.

Submissions (2):

Ambry Genetics
Classification: Uncertain significance for Inborn genetic diseases. Last evaluated: 2025-08-09. Review status: criteria provided, single submitter. Criteria: Ambry Variant Classification Scheme 2023. Collection method: clinical testing. Allele origin: germline.

Labcorp Genetics (formerly Invitae), Labcorp
Classification: Uncertain significance. Last evaluated: 2024-04-06. Review status: criteria provided, single submitter. Criteria: Invitae Variant Classification Sherloc (09022015). Collection method: clinical testing. Allele origin: germline.
Comment: This sequence change replaces aspartic acid, which is acidic and polar, with histidine, which is basic and polar, at codon 1710 of the DCHS1 protein (p.Asp1710His). This variant is present in population databases (rs764563565, gnomAD 0.007%). This variant has not been reported in the literature in individuals affected with DCHS1-related conditions. Advanced modeling of protein sequence and biophysical properties (such as structural, functional, and spatial information, amino acid conservation, physicochemical variation, residue mobility, and thermodynamic stability) has been performed at Invitae for this missense variant, however the output from this modeling did not meet the statistical confidence thresholds required to predict the impact of this variant on DCHS1 protein function. In summary, the available evidence is currently insufficient to determine the role of this variant in disease. Therefore, it has been classified as a Variant of Uncertain Significance.

NM_003737.4(DCHS1):c.5128G>C (p.Asp1710His)

Gene: DCHS1 (dachsous cadherin-related 1; minus strand). Cytogenetic location: 11p15.4.
Variant type: single nucleotide variant.
Coding change: c.5128G>C on transcript NM_003737.4 (MANE Select); coding-DNA position 5128, G replaced by C.
Protein change: p.Asp1710His; replaces aspartic acid 1710 with histidine.
Molecular consequence: missense variant.
Genome position (GRCh38, 1-based): chr11:6,629,485, C>G on the plus strand (G>C on the coding strand, the complement: DCHS1 is on the minus strand). VCF-style: chr11-6629485-C-G. GRCh37 (hg19) VCF-style: chr11-6650716-C-G.
Other names: c.5128G>C (NM_003737.2); short protein forms D1710H.
Identifiers: ClinVar variation 2905383 (VCV002905383.4), dbSNP rs764563565, ClinGen allele CA5860170.